The following is an entry in ClinVar:

ClinVar aggregate classification (germline): Likely benign (1 of 4 stars; one submission).

Allele frequency attached by ClinVar (database versions not stated): gnomAD exomes 0.00001; ExAC 0.00002; gnomAD 0.00002; TOPMed 0.00004.
gnomAD v4.1: 22 of 1,613,160 alleles (0.0014%); highest among the groups gnomAD compares: Admixed American, 0.01%; no homozygotes.

Submission:

CeGaT Center for Human Genetics Tuebingen
Classification: Likely benign. Last evaluated: 2022-06-01. Review status: criteria provided, single submitter. Criteria: CeGaT Center For Human Genetics Tuebingen Variant Classification Criteria Version 2. Collection method: clinical testing. Allele origin: germline. Affected: yes. Observed: 1 variant allele.
Comment: ARV1: BP4, BP7

NM_022786.3(ARV1):c.81G>T (p.Ser27=)

Genes: ARV1 (ARV1 fatty acid homeostasis modulator; plus strand), LOC129932761 (ATAC-STARR-seq lymphoblastoid active region 2721; plus strand). Cytogenetic location: 1q42.2.
Variant type: single nucleotide variant.
Coding change: c.81G>T on transcript NM_022786.3 (MANE Select); coding-DNA position 81, G replaced by T.
Protein change: p.Ser27=; no amino-acid change (serine 27 retained).
Molecular consequence: synonymous variant. On other transcripts: non-coding transcript variant (1).
Genome position (GRCh38, 1-based): chr1:230,979,186, G>T. VCF-style: chr1-230979186-G-T. GRCh37 (hg19) VCF-style: chr1-231114932-G-T.
Other names: c.81G>T, p.Ser27= (NM_001346992.2).
Identifiers: ClinVar variation 2640073 (VCV002640073.24), dbSNP rs752101166, ClinGen allele CA1450371.
Genomic context (GRCh38, chr1:230,979,186, plus strand): 5'-CGGCCTGCAGCAGGGGAAGGGGAACGTGGATGGGGTGGCAGCGACTCCTACTGCTGCCTC[G>T]GCCTCCTGCCAGTACAGGTGCATCGAATGCAACCAGGAGGCCAAAGAGTTGTACCGAGAC-3'
Protein context (NP_073623.1, residues 17-37): DGVAATPTAA[Ser27=]ASCQYRCIEC